The following is an entry in ClinVar:

NM_003922.4(HERC1):c.9439G>A (p.Val3147Ile)

Gene: HERC1 (HECT and RLD domain containing E3 ubiquitin protein ligase family member 1; minus strand). Cytogenetic location: 15q22.31.
Variant type: single nucleotide variant.
Coding change: c.9439G>A on transcript NM_003922.4 (MANE Select); coding-DNA position 9439, G replaced by A.
Protein change: p.Val3147Ile; replaces valine 3147 with isoleucine.
Molecular consequence: missense variant.
Genome position (GRCh38, 1-based): chr15:63,658,704, C>T on the plus strand (G>A on the coding strand, the complement: HERC1 is on the minus strand). VCF-style: chr15-63658704-C-T. GRCh37 (hg19) VCF-style: chr15-63950903-C-T.
Other names: short protein forms V3147I.
Identifiers: ClinVar variation 1028683 (VCV001028683.8), dbSNP rs200243610, ClinGen allele CA7604712.

ClinVar aggregate classification (germline): Uncertain significance. Review status: criteria provided, multiple submitters, no conflicts (2 of 4 stars). 4 submissions from 4 submitters: Uncertain significance (3). 1 of the submissions does not count toward it. Last evaluated 2026-01-21.

Conditions:
Macrocephaly, dysmorphic facies, and psychomotor retardation (MDFPMR). Identifiers: Orphanet 457359, MedGen C4310766, MONDO:0014863, OMIM 617011.
HERC1-related disorder. Also called: HERC1-related condition.

Allele frequency attached by ClinVar (database versions not stated): ESP Exome Variant Server 0.00042; gnomAD exomes 0.00011 and 0.00019; ExAC 0.00019; gnomAD 0.00047 and 0.00051; TOPMed 0.00056; 1000 Genomes Project 30x 0.00094; 1000 Genomes Project 0.00120.
gnomAD v4.1: 228 of 1,611,294 alleles (0.014%); highest among the groups gnomAD compares: African/African-American, 0.17%; 1 homozygote.

Submissions (4):

GeneDx
Classification: Uncertain significance. Last evaluated: 2026-01-21. Review status: criteria provided, single submitter. Criteria: GeneDx Variant Classification Process June 2021. Collection method: clinical testing. Allele origin: germline. Affected: yes.
Comment: In silico analysis suggests that this missense variant does not alter protein structure/function; Has not been previously published as pathogenic or benign to our knowledge

Labcorp Genetics (formerly Invitae), Labcorp
Classification: Uncertain significance. Last evaluated: 2022-06-10. Review status: criteria provided, single submitter. Criteria: Invitae Variant Classification Sherloc (09022015). Collection method: clinical testing. Allele origin: germline.
Comment: This sequence change replaces valine, which is neutral and non-polar, with isoleucine, which is neutral and non-polar, at codon 3147 of the HERC1 protein (p.Val3147Ile). This variant is present in population databases (rs200243610, gnomAD 0.2%). This variant has not been reported in the literature in individuals affected with HERC1-related conditions. ClinVar contains an entry for this variant (Variation ID: 1028683). Algorithms developed to predict the effect of missense changes on protein structure and function output the following: SIFT: "Tolerated"; PolyPhen-2: "Benign"; Align-GVGD: "Class C0". The isoleucine amino acid residue is found in multiple mammalian species, which suggests that this missense change does not adversely affect protein function. In summary, the available evidence is currently insufficient to determine the role of this variant in disease. Therefore, it has been classified as a Variant of Uncertain Significance.

Baylor Genetics
Classification: Uncertain significance for Macrocephaly, dysmorphic facies, and psychomotor retardation. Last evaluated: 2020-05-21. Review status: criteria provided, single submitter. Criteria: ACMG Guidelines, 2015. Collection method: clinical testing. Allele origin: unknown. Affected: yes.
Comment: This variant was determined to be of uncertain significance according to ACMG Guidelines, 2015 [PMID:25741868].

PreventionGenetics, part of Exact Sciences
Classification: Likely benign for HERC1-related condition. Last evaluated: 2022-07-21. Review status: no assertion criteria provided. Collection method: clinical testing. Allele origin: germline. Not counted in ClinVar's aggregate classification.
Comment: This variant is classified as likely benign based on ACMG/AMP sequence variant interpretation guidelines (Richards et al. 2015 PMID: 25741868, with internal and published modifications).